The following is an entry in ClinVar:

ClinVar aggregate classification (germline): Uncertain significance (1 of 4 stars; one submission).

Conditions:
Tuberous sclerosis 2 (TSC2). Identifiers: Orphanet 805, MedGen C1860707, MONDO:0013199, OMIM 613254.

Submission:

Labcorp Genetics (formerly Invitae), Labcorp
Classification: Uncertain significance for Tuberous sclerosis 2. Last evaluated: 2019-11-07. Review status: criteria provided, single submitter. Criteria: Invitae Variant Classification Sherloc (09022015). Collection method: clinical testing. Allele origin: germline.
Comment: In summary, the available evidence is currently insufficient to determine the role of this variant in disease. Therefore, it has been classified as a Variant of Uncertain Significance. Experimental studies and prediction algorithms are not available or were not evaluated, and the functional significance of this variant is currently unknown. This variant has been observed in individual(s) with tuberous sclerosis complex (PMID: 29101226). In at least one individual the variant was observed to be de novo. This variant is not present in population databases (ExAC no frequency). This variant, c.2629_2631del, results in the deletion of 1 amino acid(s) of the TSC2 protein (p.Asn877del), but otherwise preserves the integrity of the reading frame.

Literature cited by the submitters: PubMed 29101226.

NM_000548.5(TSC2):c.2629_2631del (p.Asn877del)

Gene: TSC2 (TSC complex subunit 2; plus strand). Cytogenetic location: 16p13.3.
Variant type: Deletion.
Coding change: c.2629_2631del on transcript NM_000548.5 (MANE Select); coding-DNA positions 2629 to 2631, 3 bases deleted (AAC; older notation c.2629_2631delAAC).
Protein change: p.Asn877del; deletes asparagine 877.
Molecular consequence: inframe deletion.
Genome position (GRCh38, 1-based): chr16:2,075,882-2,075,884, AAC deleted; deleting any 3 consecutive bases within chr16:2,075,881-2,075,884 gives the same sequence; the c. name uses the placement nearest the transcript's 3' end. VCF-style (leftmost placement, unchanged base first): chr16-2075880-CCAA-C. GRCh37 (hg19) VCF-style: chr16-2125881-CCAA-C.
Other names: c.2629_2631del, p.Asn877del (NM_001077183.3, NM_001114382.3, NM_001363528.2 and 3 more transcripts); c.2518_2520del, p.Asn840del (NM_001318827.2); c.2482_2484del, p.Asn828del (NM_001318829.2); c.2029_2031del, p.Asn677del (NM_001318831.2); c.2662_2664del, p.Asn888del (NM_001318832.2); short protein forms N877del, N677del, N828del, N840del, N888del.
Identifiers: ClinVar variation 964692 (VCV000964692.9), dbSNP rs2089273762, ClinGen allele CA1139664320.